The following is an entry in ClinVar:

NM_206965.2(FTCD):c.141C>T (p.Thr47=)

Gene: FTCD (formimidoyltransferase cyclodeaminase; minus strand). Cytogenetic location: 21q22.3.
Variant type: single nucleotide variant.
Coding change: c.141C>T on transcript NM_206965.2 (MANE Select); coding-DNA position 141, C replaced by T.
Protein change: p.Thr47=; no amino-acid change (threonine 47 retained).
Molecular consequence: synonymous variant.
Genome position (GRCh38, 1-based): chr21:46,154,246, G>A on the plus strand (C>T on the coding strand, the complement: FTCD is on the minus strand). VCF-style: chr21-46154246-G-A. GRCh37 (hg19) VCF-style: chr21-47574160-G-A.
Other names: c.141C>T (NM_001320412.1); c.141C>T, p.Thr47= (NM_001320412.2, NM_006657.3).
Identifiers: ClinVar variation 704616 (VCV000704616.13), dbSNP rs61735837, ClinGen allele CA10074050.
Genomic context (GRCh38, chr21:46,154,246, plus strand): 5'-CCGGGCAGCGTTGAGGGCCCCCTCCACCACGCACTCCGGCGGCCCCACGAAGGTGTACAC[G>A]GTGCGGTTGGTGGAAGGGCCTGCGTCCACATCCAGCAGCACGCAGCCCGGGGTCTGTGTG-3'
Protein context (NP_996848.1, residues 37-57): DVDAGPSTNR[Thr47=]VYTFVGPPEC

ClinVar aggregate classification (germline): Likely benign. Review status: criteria provided, multiple submitters, no conflicts (2 of 4 stars). 3 submissions from 3 submitters: Likely benign (2). 1 of the submissions does not count toward it. Last evaluated 2026-07-01.

Conditions:
FTCD-related disorder. Also called: FTCD-related condition.
Glutamate formiminotransferase deficiency. Also called: Arakawa syndrome 1; Formiminoglutamic aciduria. Identifiers: Orphanet 51208, MedGen C0268609, MONDO:0009240, OMIM 229100.

Allele frequency attached by ClinVar (database versions not stated): ESP Exome Variant Server 0.00069; gnomAD 0.00070 and 0.00072; TOPMed 0.00077; 1000 Genomes Project 30x 0.00094; 1000 Genomes Project 0.00120.
gnomAD v4.1: 232 of 1,612,732 alleles (0.014%); highest among the groups gnomAD compares: African/African-American, 0.23%; no homozygotes.

Submissions (3):

CeGaT Center for Human Genetics Tuebingen
Classification: Likely benign. Last evaluated: 2026-07-01. Review status: criteria provided, single submitter. Criteria: CeGaT Center For Human Genetics Tuebingen Variant Classification Criteria Version 2. Collection method: clinical testing. Allele origin: germline. Affected: yes. Observed: 1 variant allele.
Comment: FTCD: BP4, BP7

Labcorp Genetics (formerly Invitae), Labcorp
Classification: Likely benign for Glutamate formiminotransferase deficiency. Last evaluated: 2025-09-21. Review status: criteria provided, single submitter. Criteria: Invitae Variant Classification Sherloc (09022015). Collection method: clinical testing. Allele origin: germline.

PreventionGenetics, part of Exact Sciences
Classification: Likely benign for FTCD-related condition. Last evaluated: 2019-03-18. Review status: no assertion criteria provided. Collection method: clinical testing. Allele origin: germline. Not counted in ClinVar's aggregate classification.
Comment: This variant is classified as likely benign based on ACMG/AMP sequence variant interpretation guidelines (Richards et al. 2015 PMID: 25741868, with internal and published modifications).